The following is an entry in ClinVar:

ClinVar aggregate classification (germline): Uncertain significance. Review status: criteria provided, multiple submitters, no conflicts (2 of 4 stars). 2 submissions from 2 submitters: Uncertain significance (2). Last evaluated 2023-05-16.

Conditions:
Ataxia-telangiectasia syndrome (AT). Also called: LOUIS-BAR SYNDROME; Cerebello-oculocutaneous telangiectasia; Immunodeficiency with ataxia telangiectasia; Ataxia-telangiectasia, complementation group D; AT, COMPLEMENTATION GROUP C; ATAXIA-TELANGIECTASIA, COMPLEMENTATION GROUP A. Identifiers: Orphanet 100, MedGen C0004135, MONDO:0008840, OMIM 208900.
Hereditary cancer-predisposing syndrome. Also called: Neoplastic Syndromes, Hereditary; Tumor predisposition; Hereditary Cancer Syndrome; Hereditary neoplastic syndrome. Identifiers: Orphanet 140162, MedGen C0027672, MeSH D009386, MONDO:0015356.

Submissions (2):

Labcorp Genetics (formerly Invitae), Labcorp
Classification: Uncertain significance for Ataxia-telangiectasia syndrome. Last evaluated: 2023-05-16. Review status: criteria provided, single submitter. Criteria: Invitae Variant Classification Sherloc (09022015). Collection method: clinical testing. Allele origin: germline.
Comment: ClinVar contains an entry for this variant (Variation ID: 1744410). This sequence change falls in intron 5 of the ATM gene. It does not directly change the encoded amino acid sequence of the ATM protein. It affects a nucleotide within the consensus splice site. This variant is not present in population databases (gnomAD no frequency). This variant has not been reported in the literature in individuals affected with ATM-related conditions. Variants that disrupt the consensus splice site are a relatively common cause of aberrant splicing (PMID: 17576681, 9536098). Algorithms developed to predict the effect of sequence changes on RNA splicing suggest that this variant is not likely to affect RNA splicing. In summary, the available evidence is currently insufficient to determine the role of this variant in disease. Therefore, it has been classified as a Variant of Uncertain Significance.

Ambry Genetics
Classification: Uncertain significance for Hereditary cancer-predisposing syndrome. Last evaluated: 2022-06-07. Review status: criteria provided, single submitter. Criteria: Ambry Variant Classification Scheme 2023. Collection method: clinical testing. Allele origin: germline.
Comment: The c.496+4T>A intronic variant results from a T to A substitution 4 nucleotides after coding exon 4 in the ATM gene. This nucleotide position is not well conserved in available vertebrate species. In silico splice site analysis predicts that this alteration will not have any significant effect on splicing; however, direct evidence is insufficient at this time (Ambry internal data). Since supporting evidence is limited at this time, the clinical significance of this alteration remains unclear.

Literature cited by the submitters: PubMed 17576681 (cited by Labcorp Genetics (formerly Invitae), Labcorp); PubMed 9536098 (cited by Labcorp Genetics (formerly Invitae), Labcorp).

NM_000051.4(ATM):c.496+4T>A

Gene: ATM (ATM serine/threonine kinase; plus strand). Cytogenetic location: 11q22.3.
Variant type: single nucleotide variant.
Coding change: c.496+4T>A on transcript NM_000051.4 (MANE Select); 4 bases into the intron after coding-DNA position 496, T replaced by A.
Molecular consequence: intron variant.
Genome position (GRCh38, 1-based): chr11:108,235,838, T>A. VCF-style: chr11-108235838-T-A. GRCh37 (hg19) VCF-style: chr11-108106565-T-A.
Other names: c.496+4T>A (NM_001351834.2).
Identifiers: ClinVar variation 1744410 (VCV001744410.5), dbSNP rs587781375, ClinGen allele CA382525812.